The following is an entry in ClinVar:

ClinVar aggregate classification (germline): Uncertain significance (1 of 4 stars; one submission).

Conditions:
Sulfite oxidase deficiency due to molybdenum cofactor deficiency type C. Also called: Molybdenum cofactor deficiency, complementation group C; Molybdenum cofactor deficiency C. Identifiers: Orphanet 308400, Orphanet 833, MedGen C1854990, MONDO:0014212, OMIM 615501.

gnomAD v4.1: 1 of 1,614,016 alleles (0.000062%); highest among the groups gnomAD compares: Non-Finnish European, 0.000085%; no homozygotes.

Submission:

Labcorp Genetics (formerly Invitae), Labcorp
Classification: Uncertain significance for Sulfite oxidase deficiency due to molybdenum cofactor deficiency type C. Last evaluated: 2023-12-12. Review status: criteria provided, single submitter. Criteria: Invitae Variant Classification Sherloc (09022015). Collection method: clinical testing. Allele origin: germline.
Comment: This sequence change replaces isoleucine, which is neutral and non-polar, with serine, which is neutral and polar, at codon 7 of the GPHN protein (p.Ile7Ser). This variant is not present in population databases (gnomAD no frequency). This variant has not been reported in the literature in individuals affected with GPHN-related conditions. An algorithm developed to predict the effect of missense changes on protein structure and function (PolyPhen-2) suggests that this variant is likely to be tolerated. In summary, the available evidence is currently insufficient to determine the role of this variant in disease. Therefore, it has been classified as a Variant of Uncertain Significance.

NM_020806.5(GPHN):c.20T>G (p.Ile7Ser)

Gene: GPHN (gephyrin; plus strand). Cytogenetic location: 14q23.3.
Variant type: single nucleotide variant.
Coding change: c.20T>G on transcript NM_020806.5 (MANE Select); coding-DNA position 20, T replaced by G.
Protein change: p.Ile7Ser; replaces isoleucine 7 with serine.
Molecular consequence: missense variant.
Genome position (GRCh38, 1-based): chr14:66,508,547, T>G. VCF-style: chr14-66508547-T-G. GRCh37 (hg19) VCF-style: chr14-66975265-T-G.
Other names: c.20T>G, p.Ile7Ser (NM_001024218.2, NM_001377514.1, NM_001377515.1 and 4 more transcripts); short protein forms I7S.
Identifiers: ClinVar variation 2838859 (VCV002838859.3), dbSNP rs370646151, ClinGen allele CA390255059.